The following is an entry in ClinVar:

NM_001145165.2(DOHH):c.898dup (p.Ala300fs)

Gene: DOHH (deoxyhypusine hydroxylase; minus strand). Cytogenetic location: 19p13.3.
Variant type: Duplication.
Coding change: c.898dup on transcript NM_001145165.2 (MANE Select); coding-DNA position 898, one base duplicated (G; older notation c.898dupG).
Protein change: p.Ala300fs; shifts the reading frame from alanine 300.
Molecular consequence: frameshift variant.
Genome position (GRCh38, 1-based): chr19:3,491,503, C duplicated on the plus strand (G on the coding strand, the reverse complement: DOHH is on the minus strand); the first of 4 consecutive C bases (chr19:3,491,503-3,491,506); duplicating any one gives the same sequence. VCF-style (leftmost placement, unchanged base first): chr19-3491502-G-GC. GRCh37 (hg19) VCF-style: chr19-3491500-G-GC.
Other names: c.898dup, p.Ala300fs (NM_031304.5); short protein forms A300fs.
Identifiers: ClinVar variation 4292397 (VCV004292397.1).

ClinVar aggregate classification (germline): Likely pathogenic (1 of 4 stars; one submission).

Conditions:
Neurodevelopmental disorder with microcephaly, cerebral atrophy, and visual impairment (NEDMVIC). Identifiers: MedGen C5774225, MONDO:0859293, OMIM 620066.

Submission:

3billion
Classification: Likely pathogenic for Neurodevelopmental disorder with microcephaly, cerebral atrophy, and visual impairment. Last evaluated: 2024-10-17. Review status: criteria provided, single submitter. Criteria: ACMG Guidelines, 2015. Collection method: clinical testing. Allele origin: germline. Affected: yes.
Comment: The variant is observed at an extremely low frequency in the gnomAD v4.1.0 dataset (total allele frequency: 0.003%). Predicted Consequence/Location: Frameshift: predicted to result in a loss or disruption of normal protein function through protein truncation. Multiple pathogenic variants are reported in the predicted truncated region. Therefore, this variant is classified as Likely pathogenic according to the recommendation of ACMG/AMP guideline.